The following is an entry in ClinVar:

ClinVar aggregate classification (germline): Uncertain significance (1 of 4 stars; one submission).

Conditions:
Cardiovascular phenotype. Identifiers: MedGen CN230736.

Submission:

Ambry Genetics
Classification: Uncertain significance for Cardiovascular phenotype. Last evaluated: 2020-07-09. Review status: criteria provided, single submitter. Criteria: Ambry Variant Classification Scheme 2023. Collection method: clinical testing. Allele origin: germline.
Comment: The p.Y603C variant (also known as c.1808A>G), located in coding exon 13 of the CACNB2 gene, results from an A to G substitution at nucleotide position 1808. The tyrosine at codon 603 is replaced by cysteine, an amino acid with highly dissimilar properties. This amino acid position is highly conserved in available vertebrate species. In addition, this alteration is predicted to be deleterious by in silico analysis. Since supporting evidence is limited at this time, the clinical significance of this alteration remains unclear.

NM_201596.3(CACNB2):c.1970A>G (p.Tyr657Cys)

Gene: CACNB2 (calcium voltage-gated channel auxiliary subunit beta 2; plus strand). Cytogenetic location: 10p12.31.
Variant type: single nucleotide variant.
Coding change: c.1970A>G on transcript NM_201596.3 (MANE Select); coding-DNA position 1970, A replaced by G.
Protein change: p.Tyr657Cys; replaces tyrosine 657 with cysteine.
Molecular consequence: missense variant.
Genome position (GRCh38, 1-based): chr10:18,539,711, A>G. VCF-style: chr10-18539711-A-G. GRCh37 (hg19) VCF-style: chr10-18828640-A-G.
Other names: c.1805A>G, p.Tyr602Cys (NM_000724.4); c.1772A>G, p.Tyr591Cys (NM_001167945.2); c.1691A>G, p.Tyr564Cys (NM_001330060.2); c.1712A>G, p.Tyr571Cys (NM_001410882.1); c.1826A>G, p.Tyr609Cys (NM_201570.3); c.1886A>G, p.Tyr629Cys (NM_201571.4); c.1814A>G, p.Tyr605Cys (NM_201572.4); c.1808A>G, p.Tyr603Cys (NM_201590.3); and 2 more; short protein forms Y602C, Y564C, Y605C, Y633C, Y571C, Y591C, Y603C, Y609C.
Identifiers: ClinVar variation 1780506 (VCV001780506.2), dbSNP rs2494924821, ClinGen allele CA376072936.